The following is an entry in ClinVar:

NM_001165963.4(SCN1A):c.5224G>T (p.Asp1742Tyr)

Genes: SCN1A (sodium voltage-gated channel alpha subunit 1; minus strand), LOC102724058 (uncharacterized LOC102724058; plus strand). Cytogenetic location: 2q24.3.
Variant type: single nucleotide variant.
Coding change: c.5224G>T on transcript NM_001165963.4 (MANE Select); coding-DNA position 5224, G replaced by T.
Protein change: p.Asp1742Tyr; replaces aspartic acid 1742 with tyrosine.
Molecular consequence: missense variant. On other transcripts: non-coding transcript variant (1).
Genome position (GRCh38, 1-based): chr2:165,992,051, C>A on the plus strand (G>T on the coding strand, the complement: SCN1A is on the minus strand). VCF-style: chr2-165992051-C-A. GRCh37 (hg19) VCF-style: chr2-166848561-C-A.
Other names: c.5140G>T, p.Asp1714Tyr (NM_001165964.3, NM_001353957.2, NM_001353958.2); c.5224G>T, p.Asp1742Tyr (NM_001202435.3, NM_001353948.2); c.5191G>T, p.Asp1731Tyr (NM_001353949.2, NM_001353950.2, NM_001353951.2 and 2 more transcripts); c.5188G>T, p.Asp1730Tyr (NM_001353954.2, NM_001353955.2); c.5137G>T, p.Asp1713Tyr (NM_001353960.2); c.2782G>T, p.Asp928Tyr (NM_001353961.2); short protein forms D1713Y, D1714Y, D1730Y, D1742Y, D1731Y, D928Y.
Identifiers: ClinVar variation 1039369 (VCV001039369.9), dbSNP rs528239871, ClinGen allele CA349068509.

ClinVar aggregate classification (germline): Likely pathogenic (1 of 4 stars; one submission).

Conditions:
Early-infantile DEE. Also called: Ohtahara syndrome; Early infantile epileptic encephalopathy with suppression bursts; Early infantile epileptic encephalopathy. Identifiers: Orphanet 1934, MedGen C0393706, MONDO:0800491.

Submission:

Labcorp Genetics (formerly Invitae), Labcorp
Classification: Likely pathogenic for Early-infantile DEE. Last evaluated: 2022-08-09. Review status: criteria provided, single submitter. Criteria: Invitae Variant Classification Sherloc (09022015). Collection method: clinical testing. Allele origin: germline.
Comment: This sequence change replaces aspartic acid, which is acidic and polar, with tyrosine, which is neutral and polar, at codon 1742 of the SCN1A protein (p.Asp1742Tyr). This variant is not present in population databases (gnomAD no frequency). This variant has not been reported in the literature in individuals affected with SCN1A-related conditions. ClinVar contains an entry for this variant (Variation ID: 1039369). Advanced modeling of protein sequence and biophysical properties (such as structural, functional, and spatial information, amino acid conservation, physicochemical variation, residue mobility, and thermodynamic stability) performed at Invitae indicates that this missense variant is expected to disrupt SCN1A protein function. This variant disrupts the p.Asp1742 amino acid residue in SCN1A. Other variant(s) that disrupt this residue have been determined to be pathogenic (PMID: 15694566). This suggests that this residue is clinically significant, and that variants that disrupt this residue are likely to be disease-causing. In summary, the currently available evidence indicates that the variant is pathogenic, but additional data are needed to prove that conclusively. Therefore, this variant has been classified as Likely Pathogenic.

Literature cited by the submitters: PubMed 15694566.